The following is an entry in ClinVar:

NM_170699.3(GPBAR1):c.217_222delinsCA (p.Gly73fs)

Gene: GPBAR1 (G protein-coupled bile acid receptor 1; plus strand). Cytogenetic location: 2q35.
Variant type: Indel.
Coding change: c.217_222delinsCA on transcript NM_170699.3 (MANE Select); coding-DNA positions 217 to 222, GGGCTG replaced by CA.
Protein change: p.Gly73fs; shifts the reading frame from glycine 73.
Molecular consequence: frameshift variant.
Genome position (GRCh38, 1-based): chr2:218,262,941-218,262,946, GGGCTG replaced by CA. VCF-style: chr2-218262941-GGGCTG-CA. GRCh37 (hg19) VCF-style: chr2-219127664-GGGCTG-CA.
Other names: c.217_222delinsCA (NM_001321950.1); c.217_222delinsCA, p.Gly73fs (NM_001077191.2, NM_001077194.2, NM_001321950.2); short protein forms G73fs.
Identifiers: ClinVar variation 597339 (VCV000597339.8), dbSNP rs1559489631, ClinGen allele CA913189848.

ClinVar aggregate classification (germline): Uncertain significance. Review status: criteria provided, multiple submitters, no conflicts (2 of 4 stars). 2 submissions from 2 submitters: Uncertain significance (2). Last evaluated 2025-08-13.

Conditions:
GPBAR1-related disorder. Also called: GPBAR1-related condition.

Submissions (2):

PreventionGenetics, part of Exact Sciences
Classification: Uncertain significance for GPBAR1-related condition. Last evaluated: 2025-08-13. Review status: criteria provided, single submitter. Criteria: ACMG Guidelines, 2015. Collection method: clinical testing. Allele origin: germline.
Comment: The GPBAR1 c.217_222delinsCA variant is predicted to result in a frameshift and premature protein termination (p.Gly73Hisfs*42). To our knowledge, this variant has not been reported in the literature or in a large population database (gnomAD), indicating this variant is rare. Loss of function is not an established mechanism for GPBAR1-associated disease. At this time, the clinical significance of this variant is uncertain due to the absence of conclusive functional and genetic evidence.

Eurofins Ntd Llc (ga)
Classification: Uncertain significance. Last evaluated: 2018-05-25. Review status: criteria provided, single submitter. Criteria: EGL ClinVar v180209 classification definitions. Collection method: clinical testing. Allele origin: germline. Observed: 1 variant allele, 1 heterozygote.